The following is an entry in ClinVar:

NM_005560.6(LAMA5):c.6869G>A (p.Ser2290Asn)

Gene: LAMA5 (laminin subunit alpha 5; minus strand). Cytogenetic location: 20q13.33.
Variant type: single nucleotide variant.
Coding change: c.6869G>A on transcript NM_005560.6 (MANE Select); coding-DNA position 6869, G replaced by A.
Protein change: p.Ser2290Asn; replaces serine 2290 with asparagine.
Molecular consequence: missense variant.
Genome position (GRCh38, 1-based): chr20:62,319,686, C>T on the plus strand (G>A on the coding strand, the complement: LAMA5 is on the minus strand). VCF-style: chr20-62319686-C-T. GRCh37 (hg19) VCF-style: chr20-60894742-C-T.
Other names: short protein forms S2290N.
Identifiers: ClinVar variation 1911066 (VCV001911066.5), dbSNP rs2515986121, ClinGen allele CA409555793.

ClinVar aggregate classification (germline): Uncertain significance (1 of 4 stars; one submission).

Allele frequency attached by ClinVar (database versions not stated): gnomAD exomes 0.00001.
gnomAD v4.1: 8 of 1,540,044 alleles (0.00052%); highest among the groups gnomAD compares: Admixed American, 0.0039%; no homozygotes.

Submission:

Labcorp Genetics (formerly Invitae), Labcorp
Classification: Uncertain significance. Last evaluated: 2022-01-11. Review status: criteria provided, single submitter. Criteria: Invitae Variant Classification Sherloc (09022015). Collection method: clinical testing. Allele origin: germline.
Comment: This variant has not been reported in the literature in individuals affected with LAMA5-related conditions. Algorithms developed to predict the effect of missense changes on protein structure and function output the following: SIFT: "Tolerated"; PolyPhen-2: "Possibly Damaging"; Align-GVGD: "Class C0". The asparagine amino acid residue is found in multiple mammalian species, which suggests that this missense change does not adversely affect protein function. In summary, the available evidence is currently insufficient to determine the role of this variant in disease. Therefore, it has been classified as a Variant of Uncertain Significance. This sequence change replaces serine, which is neutral and polar, with asparagine, which is neutral and polar, at codon 2290 of the LAMA5 protein (p.Ser2290Asn). This variant is not present in population databases (gnomAD no frequency).